The following is an entry in ClinVar:

ClinVar aggregate classification (germline): Uncertain significance. Review status: criteria provided, multiple submitters, no conflicts (2 of 4 stars). 2 submissions from 2 submitters: Uncertain significance (2). Last evaluated 2024-11-04.

Allele frequency attached by ClinVar (database versions not stated): ExAC 0.00001; gnomAD exomes 0.00001; gnomAD 0.00003; TOPMed 0.00006; 1000 Genomes Project 30x 0.00016; 1000 Genomes Project 0.00020.
gnomAD v4.1: 20 of 1,589,798 alleles (0.0013%); highest among the groups gnomAD compares: Admixed American, 0.007%; no homozygotes.

Submissions (2):

Labcorp Genetics (formerly Invitae), Labcorp
Classification: Uncertain significance. Last evaluated: 2024-11-04. Review status: criteria provided, single submitter. Criteria: Invitae Variant Classification Sherloc (09022015). Collection method: clinical testing. Allele origin: germline.
Comment: This sequence change replaces valine, which is neutral and non-polar, with leucine, which is neutral and non-polar, at codon 217 of the IL6ST protein (p.Val217Leu). This variant is present in population databases (rs183743555, gnomAD 0.002%). This variant has not been reported in the literature in individuals affected with IL6ST-related conditions. ClinVar contains an entry for this variant (Variation ID: 1505545). An algorithm developed to predict the effect of missense changes on protein structure and function (PolyPhen-2) suggests that this variant is likely to be tolerated. In summary, the available evidence is currently insufficient to determine the role of this variant in disease. Therefore, it has been classified as a Variant of Uncertain Significance.

Ambry Genetics
Classification: Uncertain significance. Last evaluated: 2023-11-14. Review status: criteria provided, single submitter. Criteria: Ambry Variant Classification Scheme 2023. Collection method: clinical testing. Allele origin: germline.

NM_002184.4(IL6ST):c.649G>C (p.Val217Leu)

Gene: IL6ST (interleukin 6 cytokine family signal transducer; minus strand). Cytogenetic location: 5q11.2.
Variant type: single nucleotide variant.
Coding change: c.649G>C on transcript NM_002184.4 (MANE Select); coding-DNA position 649, G replaced by C.
Protein change: p.Val217Leu; replaces valine 217 with leucine.
Molecular consequence: missense variant. On other transcripts: 5 prime UTR variant (3), non-coding transcript variant (2).
Genome position (GRCh38, 1-based): chr5:55,964,155, C>G on the plus strand (G>C on the coding strand, the complement: IL6ST is on the minus strand). VCF-style: chr5-55964155-C-G. GRCh37 (hg19) VCF-style: chr5-55259983-C-G.
Other names: c.649G>C (NM_002184.3); c.649G>C, p.Val217Leu (NM_001190981.2, NM_001364275.2, NM_175767.3); c.439G>C, p.Val147Leu (NM_001364276.2); c.-265G>C (NM_001364277.2, NM_001364279.2); c.-255G>C (NM_001364278.2); short protein forms V147L, V217L.
Identifiers: ClinVar variation 1505545 (VCV001505545.8), dbSNP rs183743555, ClinGen allele CA3271659.